The following is an entry in ClinVar:

ClinVar aggregate classification (germline): Pathogenic. Review status: criteria provided, multiple submitters, no conflicts (2 of 4 stars). 2 submissions from 2 submitters: Pathogenic (2). Last evaluated 2025-12-21.

Conditions:
Tyrosinase-positive oculocutaneous albinism (OCA2). Also called: ALBINISM II; Oculocutaneous albinism type 2; Albinism, oculocutaneous, type II. Identifiers: Orphanet 79432, MedGen C0268495, MONDO:0008746, OMIM 203200.

Submissions (2):

Myriad Genetics, Inc.
Classification: Pathogenic for Tyrosinase-positive oculocutaneous albinism. Last evaluated: 2025-12-21. Review status: criteria provided, single submitter. Criteria: Myriad Autosomal Dominant, Autosomal Recessive and X-Linked Classification Criteria (2023). Collection method: clinical testing. Allele origin: unknown.
Comment: NM_000275.2(OCA2):c.400delT(W134Gfs*7) is expected to be pathogenic in the context of oculocutaneous albinism, OCA2-related. This variant is predicted to lead to an abnormal or absent protein product due to the creation of a premature termination codon in OCA2, a gene where loss-of-function variants are known to be pathogenic. Please note: this variant was assessed in the context of healthy population screening.

Labcorp Genetics (formerly Invitae), Labcorp
Classification: Pathogenic. Last evaluated: 2024-07-29. Review status: criteria provided, single submitter. Criteria: Invitae Variant Classification Sherloc (09022015). Collection method: clinical testing. Allele origin: germline.
Comment: This sequence change creates a premature translational stop signal (p.Trp134Glyfs*7) in the OCA2 gene. It is expected to result in an absent or disrupted protein product. Loss-of-function variants in OCA2 are known to be pathogenic (PMID: 19865097, 21541274). This variant is not present in population databases (gnomAD no frequency). This variant has not been reported in the literature in individuals affected with OCA2-related conditions. For these reasons, this variant has been classified as Pathogenic.

Literature cited by the submitters: PubMed 19865097 (cited by Labcorp Genetics (formerly Invitae), Labcorp); PubMed 21541274 (cited by Labcorp Genetics (formerly Invitae), Labcorp).

NM_000275.3(OCA2):c.400del (p.Trp134fs)

Gene: OCA2 (OCA2 melanosomal transmembrane protein; minus strand). Cytogenetic location: 15q13.1.
Variant type: Deletion.
Coding change: c.400del on transcript NM_000275.3 (MANE Select); coding-DNA position 400, one base deleted (T; older notation c.400delT).
Protein change: p.Trp134fs; shifts the reading frame from tryptophan 134.
Molecular consequence: frameshift variant.
Genome position (GRCh38, 1-based): chr15:28,027,986, A deleted on the plus strand (T on the coding strand, the reverse complement: OCA2 is on the minus strand). VCF-style (leftmost placement, unchanged base first): chr15-28027985-CA-C. GRCh37 (hg19) VCF-style: chr15-28273131-CA-C.
Other names: c.400del, p.Trp134fs (NM_001300984.2); short protein forms W134fs.
Identifiers: ClinVar variation 3660751 (VCV003660751.3).